The following is an entry in ClinVar:

ClinVar aggregate classification (germline): Uncertain significance (1 of 4 stars; one submission).

Conditions:
Neurofibromatosis, type 1 (NF1). Also called: VON RECKLINGHAUSEN DISEASE; NEUROFIBROMATOSIS, TYPE I, SOMATIC; Peripheral type neurofibromatosis; Neurofibromatosis, type I. Identifiers: Orphanet 636, MedGen C0027831, MONDO:0018975, OMIM 162200. Disease mechanism: loss of function.

Submission:

Labcorp Genetics (formerly Invitae), Labcorp
Classification: Uncertain significance for Neurofibromatosis, type 1. Last evaluated: 2018-08-05. Review status: criteria provided, single submitter. Criteria: Invitae Variant Classification Sherloc (09022015). Collection method: clinical testing. Allele origin: germline.
Comment: This sequence change replaces alanine with valine at codon 198 of the NF1 protein (p.Ala198Val). The alanine residue is moderately conserved and there is a small physicochemical difference between alanine and valine. This variant is not present in population databases (ExAC no frequency). This variant has not been reported in the literature in individuals with NF1-related disease. Algorithms developed to predict the effect of missense changes on protein structure and function output the following: SIFT: "Tolerated"; PolyPhen-2: "Benign"; Align-GVGD: "Class C0". The valine amino acid residue is found in multiple mammalian species, suggesting that this missense change does not adversely affect protein function. These predictions have not been confirmed by published functional studies and their clinical significance is uncertain. In summary, the available evidence is currently insufficient to determine the role of this variant in disease. Therefore, it has been classified as a Variant of Uncertain Significance.

NM_001042492.3(NF1):c.593C>T (p.Ala198Val)

Gene: NF1 (neurofibromin 1; plus strand). Cytogenetic location: 17q11.2.
Variant type: single nucleotide variant.
Coding change: c.593C>T on transcript NM_001042492.3 (MANE Select); coding-DNA position 593, C replaced by T.
Protein change: p.Ala198Val; replaces alanine 198 with valine.
Molecular consequence: missense variant.
Genome position (GRCh38, 1-based): chr17:31,181,428, C>T. VCF-style: chr17-31181428-C-T. GRCh37 (hg19) VCF-style: chr17-29508446-C-T.
Other names: c.593C>T, p.Ala198Val (NM_000267.4, NM_001128147.3); short protein forms A198V.
Identifiers: ClinVar variation 661602 (VCV000661602.5), dbSNP rs863224663, ClinGen allele CA398989209.